The following is an entry in ClinVar:

NM_000535.7(PMS2):c.2337A>G (p.Gly779=)

Gene: PMS2 (PMS1 homolog 2, mismatch repair system component; minus strand). Cytogenetic location: 7p22.1.
Variant type: single nucleotide variant.
Coding change: c.2337A>G on transcript NM_000535.7 (MANE Select); coding-DNA position 2337, A replaced by G.
Protein change: p.Gly779=; no amino-acid change (glycine 779 retained).
Molecular consequence: synonymous variant. On other transcripts: non-coding transcript variant (1).
Genome position (GRCh38, 1-based): chr7:5,977,696, T>C on the plus strand (A>G on the coding strand, the complement: PMS2 is on the minus strand). VCF-style: chr7-5977696-T-C. GRCh37 (hg19) VCF-style: chr7-6017327-T-C.
Other names: c.1932A>G, p.Gly644= (NM_001322003.2, NM_001322004.2, NM_001322005.2 and 11 more transcripts); c.2181A>G, p.Gly727= (NM_001322006.2); c.2019A>G, p.Gly673= (NM_001322007.2, NM_001322008.2, NM_001406883.1); c.1965A>G, p.Gly655= (NM_001322009.2, NM_001406887.1, NM_001406888.1); c.1776A>G, p.Gly592= (NM_001322010.2, NM_001406906.1, NM_001406907.1); c.1404A>G, p.Gly468= (NM_001322011.2, NM_001322012.2); c.1764A>G, p.Gly588= (NM_001322013.2, NM_001406908.1, NM_001406909.1); c.2370A>G, p.Gly790= (NM_001322014.2); and 20 more.
Identifiers: ClinVar variation 3903559 (VCV003903559.2).
Genomic context (GRCh38, chr7:5,977,696, plus strand): 5'-CCGGCACATGACCCCAGGGCTGTCGCTCAGCATGAAGATCAGTTCATCGACGTCCTGGGG[T>C]CCGAAGGTCCAGTTTTTACTAGTTGGCAAGGAAATCAGTTTAGCCCTTTCAGTGACTGGA-3'
Protein context (NP_000526.2, residues 769-789): SLPTSKNWTF[Gly779=]PQDVDELIFM

ClinVar aggregate classification (germline): Benign/Likely benign. Review status: criteria provided, multiple submitters, no conflicts (2 of 4 stars). 2 submissions from 2 submitters: Benign (1); Likely benign (1). Last evaluated 2026-07-11.

Conditions:
Lynch syndrome 4 (LYNCH4). Also called: Hereditary non-polyposis colorectal cancer, type 4; Colorectal cancer, hereditary nonpolyposis, type 4. Identifiers: Orphanet 144, MedGen C1838333, MONDO:0013699, OMIM 614337. Disease mechanism: loss of function.
Hereditary cancer-predisposing syndrome. Also called: Hereditary Cancer Syndrome; Hereditary neoplastic syndrome; Neoplastic Syndromes, Hereditary; Tumor predisposition. Identifiers: Orphanet 140162, MedGen C0027672, MeSH D009386, MONDO:0015356.

Submissions (2):

Ambry Genetics
Classification: Likely benign for Hereditary cancer-predisposing syndrome. Last evaluated: 2026-07-11. Review status: criteria provided, single submitter. Criteria: Ambry Variant Classification Scheme 2023. Collection method: clinical testing. Allele origin: germline.

Myriad Genetics, Inc.
Classification: Benign for Lynch syndrome 4. Last evaluated: 2025-02-04. Review status: criteria provided, single submitter. Criteria: Myriad Autosomal Dominant, Autosomal Recessive and X-Linked Classification Criteria (2023). Collection method: clinical testing. Allele origin: unknown.
Comment: This variant is considered benign. This variant is a silent/synonymous amino acid change and it is not expected to impact splicing.